The following is an entry in ClinVar:

NM_015046.7(SETX):c.5276del (p.Val1759fs)

Gene: SETX (senataxin; minus strand). Cytogenetic location: 9q34.13.
Variant type: Deletion.
Coding change: c.5276del on transcript NM_015046.7 (MANE Select); coding-DNA position 5276, one base deleted (T; older notation c.5276delT).
Protein change: p.Val1759fs; shifts the reading frame from valine 1759.
Molecular consequence: frameshift variant.
Genome position (GRCh38, 1-based): chr9:132,311,855, A deleted on the plus strand (T on the coding strand, the reverse complement: SETX is on the minus strand). VCF-style (leftmost placement, unchanged base first): chr9-132311854-CA-C. GRCh37 (hg19) VCF-style: chr9-135187241-CA-C.
Other names: c.5276del, p.Val1759fs (NM_001351527.2, NM_001351528.2); short protein forms V1759fs.
Identifiers: ClinVar variation 2585238 (VCV002585238.1), dbSNP rs2539022534, ClinGen allele CA2582342668.

ClinVar aggregate classification (germline): Likely pathogenic (1 of 4 stars; one submission).

Conditions:
Spinocerebellar ataxia, autosomal recessive, with axonal neuropathy 2 (SCAN2). Also called: ATAXIA-OCULOMOTOR APRAXIA 2; Ataxia with Oculomotor Apraxia Type 2; Ataxia-ocular apraxia-2; Ataxia with Oculomotor Apraxia. Identifiers: Orphanet 64753, MedGen C1853761, MONDO:0018996, OMIM 606002.

Submission:

Neuberg Centre For Genomic Medicine, NCGM
Classification: Likely pathogenic for Spinocerebellar ataxia, autosomal recessive, with axonal neuropathy 2. Review status: criteria provided, single submitter. Criteria: ACMG Guidelines, 2015. Collection method: clinical testing. Allele origin: germline. Inheritance: Autosomal recessive inheritance. Affected: yes.
Comment: The frame shift variant c.5276del (p.Val1759GlyfsTer27) in SETX gene has not been reported previously as a pathogenic variant nor as a benign variant, to our knowledge. This variant causes a frameshift starting with codon Valine 1759, changes this amino acid to Glycine residue, and creates a premature Stop codon at position 27 of the new reading frame, denoted p.Val1759GlyfsTer27. The p.Val1759GlyfsTer27 variant is novel (not in any individuals) in gnomAD Exomes and 1000 Genomes. For these reasons, this variant has been classified as Likely Pathogenic .